The following is an entry in ClinVar:

ClinVar aggregate classification (germline): Conflicting classifications of pathogenicity. Review status: criteria provided, conflicting classifications (1 of 4 stars). 5 submissions from 5 submitters: Uncertain significance (4); Likely benign (1). Last evaluated 2024-11-11.

Conditions:
Inborn genetic diseases. Identifiers: MedGen C0950123, MeSH D030342.
Intellectual developmental disorder, autosomal recessive 3. Also called: Intellectual disability, autosomal recessive 3. Identifiers: Orphanet 88616, MedGen C1838023, MONDO:0012037, OMIM 608443.

Allele frequency attached by ClinVar (database versions not stated): gnomAD exomes 0.00050 and 0.00171; gnomAD 0.00108 and 0.00107; ExAC 0.00039.

Submissions (5):

Blueprint Genetics
Classification: Uncertain significance. Last evaluated: 2024-11-11. Review status: criteria provided, single submitter. Criteria: ACMG Guidelines, 2015. Collection method: clinical testing. Allele origin: germline.

Ambry Genetics
Classification: Likely benign for Inborn genetic diseases. Last evaluated: 2022-05-20. Review status: criteria provided, single submitter. Criteria: Ambry Variant Classification Scheme 2023. Collection method: clinical testing. Allele origin: germline.

Baylor Genetics
Classification: Uncertain significance for Intellectual developmental disorder, autosomal recessive 3. Last evaluated: 2018-11-29. Review status: criteria provided, single submitter. Criteria: ACMG Guidelines, 2015. Collection method: clinical testing. Allele origin: maternal. Affected: yes.
Comment: This variant was determined to be of uncertain significance according to ACMG Guidelines, 2015 [PMID:25741868].

Genetic Services Laboratory, University of Chicago
Classification: Uncertain significance. Last evaluated: 2016-10-31. Review status: criteria provided, single submitter. Criteria: ACMG Guidelines, 2015. Collection method: clinical testing. Allele origin: germline. Affected: no.

Breakthrough Genomics
Classification: Uncertain significance. Review status: criteria provided, single submitter. Criteria: ACMG Guidelines, 2015. Collection method: not provided. Allele origin: germline. Inheritance: Autosomal dominant inheritance. Affected: yes.

NM_017721.5(CC2D1A):c.15_23dup (p.7_9PPG[3])

Gene: CC2D1A (coiled-coil and C2 domain containing 1A; plus strand). Cytogenetic location: 19p13.12.
Variant type: Duplication.
Coding change: c.15_23dup on transcript NM_017721.5 (MANE Select); coding-DNA positions 15 to 23, 9 bases duplicated (AGGACCCCC; older notation c.15_23dupAGGACCCCC).
Protein change: p.7_9PPG[3].
Molecular consequence: inframe insertion.
Genome position (GRCh38, 1-based): chr19:13,906,456-13,906,464, AGGACCCCC duplicated. VCF-style (leftmost placement, unchanged base first): chr19-13906455-A-AAGGACCCCC. GRCh37 (hg19) VCF-style: chr19-14017268-A-AAGGACCCCC.
Other names: c.15_23dupAGGACCCCC (NM_017721.4).
Identifiers: ClinVar variation 434611 (VCV000434611.11), dbSNP rs755038966, ClinGen allele CA9244129.